The following is an entry in ClinVar:

NM_033004.4(NLRP1):c.3773C>T (p.Ser1258Phe)

Gene: NLRP1 (NLR family pyrin domain containing 1; minus strand). Cytogenetic location: 17p13.2.
Variant type: single nucleotide variant.
Coding change: c.3773C>T on transcript NM_033004.4 (MANE Select); coding-DNA position 3773, C replaced by T.
Protein change: p.Ser1258Phe; replaces serine 1258 with phenylalanine.
Molecular consequence: missense variant.
Genome position (GRCh38, 1-based): chr17:5,521,534, G>A on the plus strand (C>T on the coding strand, the complement: NLRP1 is on the minus strand). VCF-style: chr17-5521534-G-A. GRCh37 (hg19) VCF-style: chr17-5424854-G-A.
Other names: c.3785C>T, p.Ser1262Phe (NM_001033053.3); c.3773C>T, p.Ser1258Phe (NM_014922.5); c.3683C>T, p.Ser1228Phe (NM_033006.4, NM_033007.4); short protein forms S1262F, S1228F, S1258F.
Identifiers: ClinVar variation 3643819 (VCV003643819.2).

ClinVar aggregate classification (germline): Uncertain significance (1 of 4 stars; one submission).

Submission:

Labcorp Genetics (formerly Invitae), Labcorp
Classification: Uncertain significance. Last evaluated: 2024-03-01. Review status: criteria provided, single submitter. Criteria: Invitae Variant Classification Sherloc (09022015). Collection method: clinical testing. Allele origin: germline.
Comment: This sequence change replaces serine, which is neutral and polar, with phenylalanine, which is neutral and non-polar, at codon 1258 of the NLRP1 protein (p.Ser1258Phe). This variant is not present in population databases (gnomAD no frequency). This variant has not been reported in the literature in individuals affected with NLRP1-related conditions. An algorithm developed to predict the effect of missense changes on protein structure and function (PolyPhen-2) suggests that this variant is likely to be disruptive. In summary, the available evidence is currently insufficient to determine the role of this variant in disease. Therefore, it has been classified as a Variant of Uncertain Significance.